The following is an entry in ClinVar:

NM_004793.4(LONP1):c.67A>G (p.Met23Val)

Gene: LONP1 (lon peptidase 1, mitochondrial; minus strand). Cytogenetic location: 19p13.3.
Variant type: single nucleotide variant.
Coding change: c.67A>G on transcript NM_004793.4 (MANE Select); coding-DNA position 67, A replaced by G.
Protein change: p.Met23Val; replaces methionine 23 with valine.
Molecular consequence: missense variant. On other transcripts: non-coding transcript variant (1), intron variant (1).
Genome position (GRCh38, 1-based): chr19:5,720,066, T>C on the plus strand (A>G on the coding strand, the complement: LONP1 is on the minus strand). VCF-style: chr19-5720066-T-C. GRCh37 (hg19) VCF-style: chr19-5720077-T-C.
Other names: c.67A>G (NM_004793.3); c.67A>G, p.Met23Val (NM_001276479.2); c.-160+153A>G (NM_001276480.1); short protein forms M23V.
Identifiers: ClinVar variation 1169633 (VCV001169633.33), dbSNP rs541037994, ClinGen allele CA9115247.

ClinVar aggregate classification (germline): Benign/Likely benign. Review status: criteria provided, multiple submitters, no conflicts (2 of 4 stars). 3 submissions from 3 submitters: Benign (1); Likely benign (1). 1 of the submissions does not count toward it. Last evaluated 2026-01-02.

Conditions:
LONP1-related disorder. Also called: LONP1-related disorders; LONP1-related condition.

Allele frequency attached by ClinVar (database versions not stated): ExAC 0.00020; gnomAD 0.00027 and 0.00038; TOPMed 0.00043; 1000 Genomes Project 30x 0.00125; 1000 Genomes Project 0.00140.
gnomAD v4.1: 371 of 1,512,470 alleles (0.025%); highest among the groups gnomAD compares: East Asian, 0.77%; no homozygotes.

Submissions (3):

Labcorp Genetics (formerly Invitae), Labcorp
Classification: Benign. Last evaluated: 2026-01-02. Review status: criteria provided, single submitter. Criteria: Invitae Variant Classification Sherloc (09022015). Collection method: clinical testing. Allele origin: germline.

CeGaT Center for Human Genetics Tuebingen
Classification: Likely benign. Last evaluated: 2023-11-01. Review status: criteria provided, single submitter. Criteria: CeGaT Center For Human Genetics Tuebingen Variant Classification Criteria Version 2. Collection method: clinical testing. Allele origin: germline. Affected: yes. Observed: 1 variant allele.
Comment: LONP1: BS1

PreventionGenetics, part of Exact Sciences
Classification: Likely benign for LONP1-related condition. Last evaluated: 2019-05-22. Review status: no assertion criteria provided. Collection method: clinical testing. Allele origin: germline. Not counted in ClinVar's aggregate classification.
Comment: This variant is classified as likely benign based on ACMG/AMP sequence variant interpretation guidelines (Richards et al. 2015 PMID: 25741868, with internal and published modifications).